The following is an entry in ClinVar:

NM_001080467.3(MYO5B):c.2812-2A>G

Gene: MYO5B (myosin VB; minus strand). Cytogenetic location: 18q21.1.
Variant type: single nucleotide variant.
Coding change: c.2812-2A>G on transcript NM_001080467.3 (MANE Select); the canonical splice acceptor site of the intron before coding-DNA position 2812, A replaced by G.
Molecular consequence: splice acceptor variant.
Genome position (GRCh38, 1-based): chr18:49,895,176, T>C on the plus strand (A>G on the coding strand, the complement: MYO5B is on the minus strand). VCF-style: chr18-49895176-T-C. GRCh37 (hg19) VCF-style: chr18-47421546-T-C.
Identifiers: ClinVar variation 3717168 (VCV003717168.2).
Genomic context (GRCh38, chr18:49,895,176, plus strand): 5'-ATGGTGTATGTTGAGGTGGTCACGGACAACTGCTCTGAAAGTGTCTTGAACTCTTTGTTC[T>C]GTGGAGAACATCAGCAAACAAGGAGAAGGGAGAAGAAGTGGGGGAAGAAAAGGTTATTTT-3'

ClinVar aggregate classification (germline): Likely pathogenic (1 of 4 stars; one submission).

Submission:

Labcorp Genetics (formerly Invitae), Labcorp
Classification: Likely pathogenic. Last evaluated: 2024-10-27. Review status: criteria provided, single submitter. Criteria: Invitae Variant Classification Sherloc (09022015). Collection method: clinical testing. Allele origin: germline.
Comment: This sequence change affects an acceptor splice site in intron 21 of the MYO5B gene. It is expected to disrupt RNA splicing. Variants that disrupt the donor or acceptor splice site typically lead to a loss of protein function (PMID: 16199547), and loss-of-function variants in MYO5B are known to be pathogenic (PMID: 18724368, 20186687). This variant is not present in population databases (gnomAD no frequency). This variant has not been reported in the literature in individuals affected with MYO5B-related conditions. Algorithms developed to predict the effect of sequence changes on RNA splicing suggest that this variant may disrupt the consensus splice site. In summary, the currently available evidence indicates that the variant is pathogenic, but additional data are needed to prove that conclusively. Therefore, this variant has been classified as Likely Pathogenic.

Literature cited by the submitters: PubMed 16199547; PubMed 18724368; PubMed 20186687.